The following is an entry in ClinVar:

NM_000152.5(GAA):c.1381G>A (p.Gly461Ser)

Gene: GAA (alpha glucosidase; plus strand). Cytogenetic location: 17q25.3.
Variant type: single nucleotide variant.
Coding change: c.1381G>A on transcript NM_000152.5 (MANE Select); coding-DNA position 1381, G replaced by A.
Protein change: p.Gly461Ser; replaces glycine 461 with serine.
Molecular consequence: missense variant.
Genome position (GRCh38, 1-based): chr17:80,109,999, G>A. VCF-style: chr17-80109999-G-A. GRCh37 (hg19) VCF-style: chr17-78083798-G-A.
Other names: c.1381G>A, p.Gly461Ser (NM_001079803.3, NM_001079804.3); short protein forms G461S.
Identifiers: ClinVar variation 598643 (VCV000598643.6), dbSNP rs1567832058, ClinGen allele CA401366459.

ClinVar aggregate classification (germline): Uncertain significance. Review status: criteria provided, multiple submitters, no conflicts (2 of 4 stars). 2 submissions from 2 submitters: Uncertain significance (2). Last evaluated 2026-07-01.

Conditions:
Glycogen storage disease, type II (IOPD). Also called: Pompe Disease; CARDIOMEGALIA GLYCOGENICA DIFFUSA; GLYCOGENOSIS, GENERALIZED, CARDIAC FORM; GSD II; POMPE DISEASE, INFANTILE-ONSET; GLYCOGEN STORAGE DISEASE II, INFANTILE-ONSET. Identifiers: Orphanet 365, MedGen C0017921, MONDO:0009290, OMIM 232300.

Submissions (2):

Genomenon, Inc
Classification: Uncertain significance for Glycogen storage disease, type II. Last evaluated: 2026-07-01. Review status: criteria provided, single submitter. Criteria: Genomenon Sequence Variant Interpretation Standards - Updated. Collection method: curation. Allele origin: germline. Affected: no.
Comment: GAA p.Gly461Ser (c.1381G>A) is a missense variant that changes the amino acid at codon 461 from Glycine to Serine. To our knowledge, this variant has not been reported in patients affected with a GAA-related disorder in the published literature. At least one functional study has demonstrated a substantial alteration in protein function relative to the wild-type (PMID:18425781). It is absent or not present at a significant frequency in gnomAD. In silico models predict that this variant is possibly or probably damaging. In conclusion, we classify GAA p.Gly461Ser (c.1381G>A) as a variant of uncertain significance.

Eurofins Ntd Llc (ga)
Classification: Uncertain significance. Last evaluated: 2018-09-04. Review status: criteria provided, single submitter. Criteria: EGL ClinVar v180209 classification definitions. Collection method: clinical testing. Allele origin: germline. Observed: 1 variant allele, 1 heterozygote.

Literature cited by the submitters: PubMed 18425781 (cited by Genomenon, Inc).